The following is an entry in ClinVar:

ClinVar aggregate classification (germline): Likely benign. Review status: criteria provided, multiple submitters, no conflicts (2 of 4 stars). 3 submissions from 3 submitters: Likely benign (3). Last evaluated 2026-01-19.

Conditions:
Gorlin syndrome. Also called: Nevoid Basal Cell Carcinoma Syndrome; Basal cell nevus syndrome. Identifiers: Orphanet 377, MedGen C0004779, MONDO:0007187.
Hereditary cancer-predisposing syndrome. Also called: Hereditary neoplastic syndrome; Neoplastic Syndromes, Hereditary; Hereditary Cancer Syndrome; Tumor predisposition. Identifiers: Orphanet 140162, MedGen C0027672, MeSH D009386, MONDO:0015356.

Allele frequency attached by ClinVar (database versions not stated): TOPMed 0.00001.
gnomAD v4.1: 30 of 1,613,906 alleles (0.0019%); highest among the groups gnomAD compares: Middle Eastern, 0.033%; no homozygotes.

Submissions (3):

Labcorp Genetics (formerly Invitae), Labcorp
Classification: Likely benign for Gorlin syndrome. Last evaluated: 2026-01-19. Review status: criteria provided, single submitter. Criteria: Invitae Variant Classification Sherloc (09022015). Collection method: clinical testing. Allele origin: germline.

CeGaT Center for Human Genetics Tuebingen
Classification: Likely benign. Last evaluated: 2023-10-01. Review status: criteria provided, single submitter. Criteria: CeGaT Center For Human Genetics Tuebingen Variant Classification Criteria Version 2. Collection method: clinical testing. Allele origin: germline. Affected: yes. Observed: 1 variant allele.
Comment: PTCH1: BP4, BP7

Ambry Genetics
Classification: Likely benign for Hereditary cancer-predisposing syndrome. Last evaluated: 2019-02-15. Review status: criteria provided, single submitter. Criteria: Ambry Variant Classification Scheme 2023. Collection method: clinical testing. Allele origin: germline.

NM_000264.5(PTCH1):c.3204C>T (p.Phe1068=)

Gene: PTCH1 (patched 1; minus strand). Cytogenetic location: 9q22.32.
Variant type: single nucleotide variant.
Coding change: c.3204C>T on transcript NM_000264.5 (MANE Select); coding-DNA position 3204, C replaced by T.
Protein change: p.Phe1068=; no amino-acid change (phenylalanine 1068 retained).
Molecular consequence: synonymous variant. On other transcripts: non-coding transcript variant (1).
Genome position (GRCh38, 1-based): chr9:95,456,378, G>A on the plus strand (C>T on the coding strand, the complement: PTCH1 is on the minus strand). VCF-style: chr9-95456378-G-A. GRCh37 (hg19) VCF-style: chr9-98218660-G-A.
Other names: c.3006C>T, p.Phe1002= (NM_001083602.3); c.3201C>T, p.Phe1067= (NM_001083603.3); c.2751C>T, p.Phe917= (NM_001083604.3, NM_001083605.3, NM_001083606.3 and 1 more transcripts); c.3048C>T, p.Phe1016= (NM_001354918.2).
Identifiers: ClinVar variation 453843 (VCV000453843.40), dbSNP rs762419846, ClinGen allele CA5138213.